The following is an entry in ClinVar:

ClinVar aggregate classification (germline): Uncertain significance (1 of 4 stars; one submission).

Allele frequency attached by ClinVar (database versions not stated): gnomAD 0.00008; 1000 Genomes Project 30x 0.00031; 1000 Genomes Project 0.00040; ExAC 0.00002; TOPMed 0.00005; ESP Exome Variant Server 0.00008.
gnomAD v4.1: 21 of 1,613,704 alleles (0.0013%); highest among the groups gnomAD compares: African/African-American, 0.025%; no homozygotes.

Submission:

Labcorp Genetics (formerly Invitae), Labcorp
Classification: Uncertain significance. Last evaluated: 2022-05-06. Review status: criteria provided, single submitter. Criteria: Invitae Variant Classification Sherloc (09022015). Collection method: clinical testing. Allele origin: germline.
Comment: This sequence change replaces serine, which is neutral and polar, with threonine, which is neutral and polar, at codon 65 of the POC1B protein (p.Ser65Thr). This variant is present in population databases (rs139145893, gnomAD 0.03%). This variant has not been reported in the literature in individuals affected with POC1B-related conditions. Advanced modeling of protein sequence and biophysical properties (such as structural, functional, and spatial information, amino acid conservation, physicochemical variation, residue mobility, and thermodynamic stability) performed at Invitae indicates that this missense variant is not expected to disrupt POC1B protein function. In summary, the available evidence is currently insufficient to determine the role of this variant in disease. Therefore, it has been classified as a Variant of Uncertain Significance.

NM_172240.3(POC1B):c.194G>C (p.Ser65Thr)

Genes: POC1B (POC1 centriolar protein B; minus strand), POC1B-DUSP6 (POC1B-DUSP6 readthrough; minus strand). Cytogenetic location: 12q21.33.
Variant type: single nucleotide variant.
Coding change: c.194G>C on transcript NM_172240.3 (MANE Select); coding-DNA position 194, G replaced by C.
Protein change: p.Ser65Thr; replaces serine 65 with threonine.
Molecular consequence: missense variant.
Genome position (GRCh38, 1-based): chr12:89,497,249, C>G on the plus strand (G>C on the coding strand, the complement: POC1B is on the minus strand). VCF-style: chr12-89497249-C-G. GRCh37 (hg19) VCF-style: chr12-89891026-C-G.
Other names: c.68G>C, p.Ser23Thr (NM_001199777.2); short protein forms S65T, S23T.
Identifiers: ClinVar variation 1918742 (VCV001918742.2), dbSNP rs139145893, ClinGen allele CA6714588.